The following is an entry in ClinVar:

ClinVar aggregate classification (germline): Conflicting classifications of pathogenicity. Review status: criteria provided, conflicting classifications (1 of 4 stars). 3 submissions from 3 submitters: Uncertain significance (1); Likely benign (1). 1 of the submissions does not count toward it. Last evaluated 2025-12-30.

Conditions:
LYST-related disorder. Also called: LYST-related condition.
Chédiak-Higashi syndrome (CHS). Also called: Chediak-Higashi Syndrome. Identifiers: Orphanet 167, MedGen C0007965, MONDO:0008963, OMIM 214500.

Allele frequency attached by ClinVar (database versions not stated): gnomAD exomes 0.00005; ESP Exome Variant Server 0.00008; TOPMed 0.00014; gnomAD 0.00016; ExAC 0.00022; 1000 Genomes Project 0.00040; 1000 Genomes Project 30x 0.00047.
gnomAD v4.1: 103 of 1,612,738 alleles (0.0064%); highest among the groups gnomAD compares: East Asian, 0.13%; 1 homozygote.

Submissions (3):

Labcorp Genetics (formerly Invitae), Labcorp
Classification: Likely benign for Chédiak-Higashi syndrome. Last evaluated: 2025-12-30. Review status: criteria provided, single submitter. Criteria: Invitae Variant Classification Sherloc (09022015). Collection method: clinical testing. Allele origin: germline.

Blueprint Genetics
Classification: Uncertain significance. Last evaluated: 2024-08-30. Review status: criteria provided, single submitter. Criteria: ACMG Guidelines, 2015. Collection method: clinical testing. Allele origin: germline.

PreventionGenetics, part of Exact Sciences
Classification: Likely benign for LYST-related condition. Last evaluated: 2023-02-16. Review status: no assertion criteria provided. Collection method: clinical testing. Allele origin: germline. Not counted in ClinVar's aggregate classification.
Comment: This variant is classified as likely benign based on ACMG/AMP sequence variant interpretation guidelines (Richards et al. 2015 PMID: 25741868, with internal and published modifications).

NM_000081.4(LYST):c.8624G>A (p.Arg2875His)

Gene: LYST (lysosomal trafficking regulator; minus strand). Cytogenetic location: 1q42.3.
Variant type: single nucleotide variant.
Coding change: c.8624G>A on transcript NM_000081.4 (MANE Select); coding-DNA position 8624, G replaced by A.
Protein change: p.Arg2875His; replaces arginine 2875 with histidine.
Molecular consequence: missense variant.
Genome position (GRCh38, 1-based): chr1:235,733,680, C>T on the plus strand (G>A on the coding strand, the complement: LYST is on the minus strand). VCF-style: chr1-235733680-C-T. GRCh37 (hg19) VCF-style: chr1-235896980-C-T.
Other names: c.8624G>A, p.Arg2875His (NM_001301365.1); short protein forms R2875H.
Identifiers: ClinVar variation 525150 (VCV000525150.10), dbSNP rs200353560, ClinGen allele CA1465791.